The following is an entry in ClinVar:

ClinVar aggregate classification (germline): Pathogenic. Review status: criteria provided, multiple submitters, no conflicts (2 of 4 stars). 5 submissions from 5 submitters: Pathogenic (4). 1 of the submissions does not count toward it. Last evaluated 2024-06-23.

Conditions:
SLC7A9-related disorder. Also called: SLC7A9-related condition.
Cystinuria (CSNU). Also called: CYSTINURIA, TYPE I; CYSTINURIA, TYPE II; CYSTINURIA, TYPE III; Cystinuria, non-type I. Identifiers: Orphanet 214, MedGen C0010691, MONDO:0009067, OMIM 220100, HP:0003131.

Submissions (5):

Labcorp Genetics (formerly Invitae), Labcorp
Classification: Pathogenic. Last evaluated: 2024-06-23. Review status: criteria provided, single submitter. Criteria: Invitae Variant Classification Sherloc (09022015). Collection method: clinical testing. Allele origin: germline.
Comment: This sequence change creates a premature translational stop signal (p.Pro139Leufs*69) in the SLC7A9 gene. It is expected to result in an absent or disrupted protein product. Loss-of-function variants in SLC7A9 are known to be pathogenic (PMID: 11157794, 16838140, 25296721). This variant is present in population databases (rs774124697, gnomAD 0.005%). This premature translational stop signal has been observed in individuals with cystinuria (PMID: 10471498, 25296721). This variant is also known as c.596delTG. ClinVar contains an entry for this variant (Variation ID: 961728). For these reasons, this variant has been classified as Pathogenic.

Mayo Clinic Laboratories, Mayo Clinic
Classification: Pathogenic. Last evaluated: 2022-11-10. Review status: criteria provided, single submitter. Criteria: ACMG Guidelines, 2015. Collection method: clinical testing. Allele origin: germline. Observed: 1 variant allele.
Comment: PM2, PM3, PS4_moderate, PVS1

Blueprint Genetics
Classification: Pathogenic for SLC7A9-related disorders. Last evaluated: 2022-07-08. Review status: criteria provided, single submitter. Criteria: ACMG Guidelines, 2015. Collection method: clinical testing. Allele origin: germline. Affected: yes. Observed: 1 variant allele.

Fulgent Genetics
Classification: Pathogenic for Cystinuria. Last evaluated: 2022-05-17. Review status: criteria provided, single submitter. Criteria: ACMG Guidelines, 2015. Collection method: clinical testing. Allele origin: unknown.

OMIM
Classification: Pathogenic for CYSTINURIA. Last evaluated: 1999-09-01. Review status: no assertion criteria provided. Collection method: literature only. Allele origin: germline. Not counted in ClinVar's aggregate classification.

Literature cited by the submitters: PubMed 11157794 (cited by Labcorp Genetics (formerly Invitae), Labcorp); PubMed 16838140 (cited by Labcorp Genetics (formerly Invitae), Labcorp); PubMed 25296721 (cited by Labcorp Genetics (formerly Invitae), Labcorp and Mayo Clinic Laboratories, Mayo Clinic); PubMed 10471498 (cited by 3 submitters); PubMed 25964309 (cited by Mayo Clinic Laboratories, Mayo Clinic); PubMed 28646536 (cited by Mayo Clinic Laboratories, Mayo Clinic).

NM_014270.5(SLC7A9):c.411_412del (p.Pro139fs)

Gene: SLC7A9 (solute carrier family 7 member 9; minus strand). Cytogenetic location: 19q13.11.
Variant type: Microsatellite.
Coding change: c.411_412del on transcript NM_014270.5 (MANE Select); coding-DNA positions 411 to 412, 2 bases deleted (TG; older notation c.411_412delTG).
Protein change: p.Pro139fs; shifts the reading frame from proline 139.
Molecular consequence: frameshift variant.
Genome position (GRCh38, 1-based): chr19:32,864,162-32,864,163, CA deleted on the plus strand (TG on the coding strand, the reverse complement: SLC7A9 is on the minus strand); deleting any 2 consecutive bases within chr19:32,864,162-32,864,169 gives the same sequence; the c. name uses the placement nearest the transcript's 3' end. VCF-style (leftmost placement, unchanged base first): chr19-32864161-GCA-G. GRCh37 (hg19) VCF-style: chr19-33355067-GCA-G.
Other names: p.Pro139Leufs*69; c.411_412del, p.Pro139fs (NM_001126335.2, NM_001243036.2); short protein forms P139fs.
Identifiers: ClinVar variation 961728 (VCV000961728.12), dbSNP rs774124697, ClinGen allele CA9358849.
Genomic context (GRCh38, chr19:32,864,161, plus strand): 5'-GCGGCGGCGGCCAGGCATTTCACAACGATTTGAGGAGGCTTGCAGCCCACATAGAAGGGC[GCA>G]CACACATACTCGGAGAAGCTGAGGCAGATGATGGCGAAGGACGTGGGCTTAATGACGATC-3'